The following is an entry in ClinVar:

NM_138387.4(G6PC3):c.815A>G (p.Gln272Arg)

Gene: G6PC3 (glucose-6-phosphatase catalytic subunit 3; plus strand). Cytogenetic location: 17q21.31.
Variant type: single nucleotide variant.
Coding change: c.815A>G on transcript NM_138387.4 (MANE Select); coding-DNA position 815, A replaced by G.
Protein change: p.Gln272Arg; replaces glutamine 272 with arginine.
Molecular consequence: missense variant. On other transcripts: 3 prime UTR variant (1).
Genome position (GRCh38, 1-based): chr17:44,075,817, A>G. VCF-style: chr17-44075817-A-G. GRCh37 (hg19) VCF-style: chr17-42153185-A-G.
Other names: p.Gln272Arg; c.*108A>G (NM_001319945.2); c.470A>G, p.Gln157Arg (NM_001384165.1, NM_001384166.1, NM_001384167.1 and 1 more transcripts); short protein forms Q272R, Q157R.
Identifiers: ClinVar variation 323470 (VCV000323470.21), dbSNP rs34491309, ClinGen allele CA8596152.
Genomic context (GRCh38, chr17:44,075,817, plus strand): 5'-GCCGTGACTCAGGGGCTGCCCTGGGCCTGGGCATTGCCTTGCACTCTCCCTGCTATGCCC[A>G]GGTGCGTCGGGCACAGCTGGGAAATGGCCAGAAGATAGCCTGCCTTGTGCTGGCCATGGG-3'
Protein context (NP_612396.1, residues 262-282): GIALHSPCYA[Gln272Arg]VRRAQLGNGQ

ClinVar aggregate classification (germline): Benign/Likely benign. Review status: criteria provided, multiple submitters, no conflicts (2 of 4 stars). 8 submissions from 8 submitters: Benign (5); Likely benign (3). Last evaluated 2026-02-01.

Conditions:
Autosomal recessive severe congenital neutropenia due to G6PC3 deficiency. Also called: NEUTROPENIA, SEVERE CONGENITAL, 4, AUTOSOMAL RECESSIVE; G6PC3 Deficiency. Identifiers: Orphanet 331176, MedGen C2751630, MONDO:0012930, OMIM 612541.

Allele frequency attached by ClinVar (database versions not stated): gnomAD exomes 0.00122 and 0.00334; ExAC 0.00423; 1000 Genomes Project 0.01218; 1000 Genomes Project 30x 0.01296; TOPMed 0.01352; ESP Exome Variant Server 0.01430.
gnomAD v4.1: 3,748 of 1,611,722 alleles (0.23%); highest among the groups gnomAD compares: African/African-American, 4.3%; 77 homozygotes.

Submissions (8):

Labcorp Genetics (formerly Invitae), Labcorp
Classification: Benign for Autosomal recessive severe congenital neutropenia due to G6PC3 deficiency. Last evaluated: 2026-02-01. Review status: criteria provided, single submitter. Criteria: Invitae Variant Classification Sherloc (09022015). Collection method: clinical testing. Allele origin: germline.

Women's Health and Genetics/Laboratory Corporation of America, LabCorp
Classification: Likely benign. Last evaluated: 2026-01-21. Review status: criteria provided, single submitter. Criteria: LabCorp Variant Classification Summary - May 2015. Collection method: clinical testing. Allele origin: germline.

Blueprint Genetics
Classification: Likely benign. Last evaluated: 2024-11-07. Review status: criteria provided, single submitter. Criteria: ACMG Guidelines, 2015. Collection method: clinical testing. Allele origin: germline.

ARUP Laboratories, Molecular Genetics and Genomics, ARUP Laboratories
Classification: Benign. Last evaluated: 2024-10-17. Review status: criteria provided, single submitter. Criteria: ARUP Molecular Germline Variant Investigation Process 2024. Collection method: clinical testing. Allele origin: germline.

Fulgent Genetics
Classification: Likely benign for Autosomal recessive severe congenital neutropenia due to G6PC3 deficiency. Last evaluated: 2021-10-08. Review status: criteria provided, single submitter. Criteria: ACMG Guidelines, 2015. Collection method: clinical testing. Allele origin: unknown.

Mayo Clinic Laboratories, Mayo Clinic
Classification: Benign. Last evaluated: 2019-04-18. Review status: criteria provided, single submitter. Criteria: ACMG Guidelines, 2015. Collection method: clinical testing. Allele origin: germline. Observed: 21 variant alleles.

Illumina Laboratory Services, Illumina
Classification: Benign for Autosomal recessive severe congenital neutropenia due to G6PC3 deficiency. Last evaluated: 2018-01-13. Review status: criteria provided, single submitter. Criteria: ICSL Variant Classification Criteria 13 December 2019. Collection method: clinical testing. Allele origin: germline.
Comment: This variant was observed in the ICSL laboratory as part of a predisposition screen in an ostensibly healthy population. It had not been previously curated by ICSL or reported in the Human Gene Mutation Database (HGMD: prior to June 1st, 2018), and was therefore a candidate for classification through an automated scoring system. Utilizing variant allele frequency, disease prevalence and penetrance estimates, and inheritance mode, an automated score was calculated to assess if this variant is too frequent to cause the disease. Based on the score and internal cut-off values, a variant classified as benign is not then subjected to further curation. The score for this variant resulted in a classification of benign for this disease.

Breakthrough Genomics
Classification: Benign. Review status: criteria provided, single submitter. Criteria: ACMG Guidelines, 2015. Collection method: not provided. Allele origin: germline. Inheritance: Autosomal recessive inheritance. Affected: yes.